The following is an entry in ClinVar:

NM_002485.5(NBN):c.1777C>A (p.Pro593Thr)

Gene: NBN (nibrin; minus strand). Cytogenetic location: 8q21.3.
Variant type: single nucleotide variant.
Coding change: c.1777C>A on transcript NM_002485.5 (MANE Select); coding-DNA position 1777, C replaced by A.
Protein change: p.Pro593Thr; replaces proline 593 with threonine.
Molecular consequence: missense variant.
Genome position (GRCh38, 1-based): chr8:89,953,312, G>T on the plus strand (C>A on the coding strand, the complement: NBN is on the minus strand). VCF-style: chr8-89953312-G-T. GRCh37 (hg19) VCF-style: chr8-90965540-G-T.
Other names: c.1531C>A, p.Pro511Thr (NM_001024688.3); short protein forms P593T, P511T.
Identifiers: ClinVar variation 820055 (VCV000820055.5), dbSNP rs146989944, ClinGen allele CA371655114.

ClinVar aggregate classification (germline): Uncertain significance. Review status: criteria provided, single submitter (1 of 4 stars). 2 submissions from 2 submitters: Uncertain significance (1). 1 of the submissions does not count toward it. Last evaluated 2019-09-23.

Conditions:
Hereditary cancer-predisposing syndrome. Also called: Hereditary Cancer Syndrome; Neoplastic Syndromes, Hereditary; Hereditary neoplastic syndrome; Tumor predisposition. Identifiers: Orphanet 140162, MedGen C0027672, MeSH D009386, MONDO:0015356.
Microcephaly, normal intelligence and immunodeficiency (NBS). Also called: Nijmegen breakage syndrome; Microcephaly with normal intelligence immunodeficiency and lymphoreticular malignancies; Nonsyndromal microcephaly autosomal recessive with normal intelligence; Seemanova syndrome 2; Immunodeficiency, microcephaly with normal intelligence; Ataxia telangiectasia variant V1. Identifiers: Orphanet 647, MedGen C0398791, MONDO:0009623, OMIM 251260.

gnomAD v4.1: 1 of 1,613,202 alleles (0.000062%); highest among the groups gnomAD compares: South Asian, 0.0011%; no homozygotes.

Submissions (2):

Ambry Genetics
Classification: Uncertain significance for Hereditary cancer-predisposing syndrome. Last evaluated: 2019-09-23. Review status: criteria provided, single submitter. Criteria: Ambry Variant Classification Scheme 2023. Collection method: clinical testing. Allele origin: germline.
Comment: The p.P593T variant (also known as c.1777C>A), located in coding exon 11 of the NBN gene, results from a C to A substitution at nucleotide position 1777. The proline at codon 593 is replaced by threonine, an amino acid with highly similar properties. This amino acid position is not well conserved in available vertebrate species. In addition, this alteration is predicted to be tolerated by in silico analysis. Since supporting evidence is limited at this time, the clinical significance of this alteration remains unclear.

Natera, Inc.
Classification: Uncertain significance for Nijmegen breakage syndrome. Last evaluated: 2021-09-15. Review status: no assertion criteria provided. Collection method: clinical testing. Allele origin: germline. Not counted in ClinVar's aggregate classification.